The following is an entry in ClinVar:

ClinVar aggregate classification (germline): Uncertain significance (1 of 4 stars; one submission).

Allele frequency attached by ClinVar (database versions not stated): gnomAD exomes 0.00002.
gnomAD v4.1: 26 of 1,614,218 alleles (0.0016%); highest among the groups gnomAD compares: South Asian, 0.0022%; no homozygotes.

Submission:

Women's Health and Genetics/Laboratory Corporation of America, LabCorp
Classification: Uncertain significance. Last evaluated: 2023-05-18. Review status: criteria provided, single submitter. Criteria: LabCorp Variant Classification Summary - May 2015. Collection method: clinical testing. Allele origin: germline.
Comment: Variant summary: KMT2C c.13598G>A (p.Arg4533Gln) results in a conservative amino acid change in the encoded protein sequence. Four of five in-silico tools predict a damaging effect of the variant on protein function. The variant allele was found at a frequency of 4e-06 in 251296 control chromosomes (gnomAD). The available data on variant occurrences in the general population are insufficient to allow any conclusion about variant significance. To our knowledge, no occurrence of c.13598G>A in individuals affected with Kleefstra Syndrome 2 and no experimental evidence demonstrating its impact on protein function have been reported. No clinical diagnostic laboratories have submitted clinical-significance assessments for this variant to ClinVar after 2014. Based on the evidence outlined above, the variant was classified as uncertain significance.

NM_170606.3(KMT2C):c.13598G>A (p.Arg4533Gln)

Gene: KMT2C (lysine methyltransferase 2C; minus strand). Cytogenetic location: 7q36.1.
Variant type: single nucleotide variant.
Coding change: c.13598G>A on transcript NM_170606.3 (MANE Select); coding-DNA position 13598, G replaced by A.
Protein change: p.Arg4533Gln; replaces arginine 4533 with glutamine.
Molecular consequence: missense variant.
Genome position (GRCh38, 1-based): chr7:152,148,329, C>T on the plus strand (G>A on the coding strand, the complement: KMT2C is on the minus strand). VCF-style: chr7-152148329-C-T. GRCh37 (hg19) VCF-style: chr7-151845414-C-T.
Other names: short protein forms R4533Q.
Identifiers: ClinVar variation 2506111 (VCV002506111.1), dbSNP rs769432614, ClinGen allele CA169220584.